The following is an entry in ClinVar:

ClinVar aggregate classification (germline): Uncertain significance (1 of 4 stars; one submission).

Submission:

Labcorp Genetics (formerly Invitae), Labcorp
Classification: Uncertain significance. Last evaluated: 2024-12-02. Review status: criteria provided, single submitter. Criteria: Invitae Variant Classification Sherloc (09022015). Collection method: clinical testing. Allele origin: germline.
Comment: This sequence change replaces proline, which is neutral and non-polar, with alanine, which is neutral and non-polar, at codon 36 of the UNC80 protein (p.Pro36Ala). This variant is not present in population databases (gnomAD no frequency). This variant has not been reported in the literature in individuals affected with UNC80-related conditions. ClinVar contains an entry for this variant (Variation ID: 1490446). An algorithm developed to predict the effect of missense changes on protein structure and function (PolyPhen-2) suggests that this variant is likely to be disruptive. In summary, the available evidence is currently insufficient to determine the role of this variant in disease. Therefore, it has been classified as a Variant of Uncertain Significance.

NM_001371986.1(UNC80):c.106C>G (p.Pro36Ala)

Gene: UNC80 (unc-80 subunit of NALCN channel complex; plus strand). Cytogenetic location: 2q34.
Variant type: single nucleotide variant.
Coding change: c.106C>G on transcript NM_001371986.1 (MANE Select); coding-DNA position 106, C replaced by G.
Protein change: p.Pro36Ala; replaces proline 36 with alanine.
Molecular consequence: missense variant.
Genome position (GRCh38, 1-based): chr2:209,773,107, C>G. VCF-style: chr2-209773107-C-G. GRCh37 (hg19) VCF-style: chr2-210637831-C-G.
Other names: c.106C>G, p.Pro36Ala (NM_032504.2, NM_182587.4); short protein forms P36A.
Identifiers: ClinVar variation 1490446 (VCV001490446.6), dbSNP rs2153824389, ClinGen allele CA350124592.